The following is an entry in ClinVar:

ClinVar aggregate classification (germline): Conflicting classifications of pathogenicity. Review status: criteria provided, conflicting classifications (1 of 4 stars). 11 submissions from 11 submitters: Pathogenic (4); Likely pathogenic (3); Uncertain significance (3). 1 of the submissions does not count toward it. Last evaluated 2026-04-23.

Conditions:
CFTR-related disorder (CFTR-RD). Also called: CFTR-related condition; CFTR-related disorders. Identifiers: MedGen C5924204, MONDO:7770004.
Congenital bilateral aplasia of vas deferens from CFTR mutation (CBAVD). Identifiers: Orphanet 48, MedGen C0403814, MONDO:0010178, OMIM 277180. Disease mechanism: loss of function.
Cystic fibrosis (CF). Also called: MUCOVISCIDOSIS. Identifiers: Orphanet 586, MedGen C0010674, MONDO:0009061, OMIM 219700. Disease mechanism: loss of function.

Allele frequency attached by ClinVar (database versions not stated): ExAC 0.00003; gnomAD 0.00003; gnomAD exomes 0.00002; TOPMed 0.00002.
gnomAD v4.1: 28 of 1,613,998 alleles (0.0017%); highest among the groups gnomAD compares: Non-Finnish European, 0.0023%; no homozygotes.

Submissions (11):

Women's Health and Genetics/Laboratory Corporation of America, LabCorp
Classification: Pathogenic for Congenital bilateral aplasia of vas deferens from CFTR mutation. Last evaluated: 2026-04-23. Review status: criteria provided, single submitter. Criteria: LabCorp Variant Classification Summary - May 2015. Collection method: clinical testing. Allele origin: germline.
Comment: Variant summary: CFTR c.2813T>G (p.Val938Gly) results in a non-conservative amino acid change located in the ABC transporter type 1, transmembrane domain (IPR011527) of the encoded protein sequence. Algorithms developed to predict the effect of missense changes on protein structure and function all suggest that this variant is likely to be disruptive. The variant allele was found at a frequency of 1.6e-05 in 251512 control chromosomes. c.2813T>G has been observed in numerous biallelic individual(s) affected with Congenital Absence of the Vas Deferens (CBAVD and CUAVD)/infertility (see CFTR-France database, Dork_1997, Ratbi_2007, Nykamp_2021). Because CBAVD/CUAVD is often found in patients with either one severe and one mildly pathogenic variant or two mildly pathogenic variants, the presence of this variant in CBAVD/CUAVD patients in trans with severe variants suggests that the variant may be a "mild" variant that contributes to CFTR-related disease. This variant has also been reported in patients screened for cystic fibrosis, idiopathic pancreatitis and other CFTR-related diseases, however not in well phenotyped cases of classic cystic fibrosis associated with pancreatic/pulmonary insufficiency (e.g., Sands_2015, Sofia_2016, De Wachter_2017, Bozdogan_2021, Nykamp_2021). At least one publication reports experimental evidence evaluating an impact on protein function in vitro. The most pronounced variant effect resulted in approximately 34.77% of normal chloride channel conductance relative to wild type (e.g., Bihler_2024). The following publications have been ascertained in the context of this evaluation (PMID: 33572515, 28830496, 18685558, 20059485, 9272157, 17175965, 34196078, 17329263, 17507277, 33374015, 26003066, 31674704, 27264265, 10755189, 26277102, 38388235). ClinVar contains an entry for this variant (Variation ID: 35850). Based on the evidence outlined above, the variant was classified as pathogenic.

3billion
Classification: Likely pathogenic for Cystic fibrosis. Last evaluated: 2025-09-18. Review status: criteria provided, single submitter. Criteria: ACMG Guidelines, 2015. Collection method: clinical testing. Allele origin: germline. Affected: yes.
Comment: The variant is observed at an extremely low frequency in the gnomAD v4.1.0 dataset (total allele frequency: 0.002%). Predicted Consequence/Location: Missense variant In silico tool predictions suggest damaging effect of the variant on gene or gene product [REVEL: 0.89 (>=0.6, sensitivity 0.68 and specificity 0.92)]. The same nucleotide change resulting in the same amino acid change has been previously reported as pathogenic/likely pathogenic with strong evidence (ClinVar ID: VCV000035850 /PMID: 9272157 /3billion dataset). The variant has been reported to be in trans with a pathogenic variant as either compound heterozygous or homozygous in at least one similarly affected unrelated individual (PMID: 9272157). Different missense changes at the same codon (p.Val938Leu, p.Val938Met) have been reported to be associated with CFTR-related disorder (PMID: 32777524, 36437957). Therefore, this variant is classified as Likely pathogenic according to the recommendation of ACMG/AMP guideline.

Labcorp Genetics (formerly Invitae), Labcorp
Classification: Pathogenic for Cystic fibrosis. Last evaluated: 2025-07-17. Review status: criteria provided, single submitter. Criteria: Invitae Variant Classification Sherloc (09022015). Collection method: clinical testing. Allele origin: germline.
Comment: This sequence change replaces valine, which is neutral and non-polar, with glycine, which is neutral and non-polar, at codon 938 of the CFTR protein (p.Val938Gly). This variant is present in population databases (rs193922511, gnomAD 0.003%). This missense change has been observed in individuals with cystic fibrosis, unilateral congenital absence of the vas deferens, or bilateral absence of the vas deferens (PMID: 9272157, 17329263, 28603918). ClinVar contains an entry for this variant (Variation ID: 35850). Invitae Evidence Modeling of protein sequence and biophysical properties (such as structural, functional, and spatial information, amino acid conservation, physicochemical variation, residue mobility, and thermodynamic stability) indicates that this missense variant is not expected to disrupt CFTR protein function with a negative predictive value of 80%. This variant disrupts the p.Val938 amino acid residue in CFTR. Other variant(s) that disrupt this residue have been observed in individuals with CFTR-related conditions (PMID: 9272157, 17329263, 28603918, 32777524, 36437957), which suggests that this may be a clinically significant amino acid residue. For these reasons, this variant has been classified as Pathogenic.

Dasa
Classification: Pathogenic. Last evaluated: 2025-03-20. Review status: criteria provided, single submitter. Criteria: DASA Assertion Criteria. Collection method: clinical testing. Allele origin: germline.
Comment: NM_000492.4(CFTR):c.2813T>G (p.Val938Gly) is a missense variant that results in the substitution of valine with glycine. This variant has been observed in affected individuals with related phenotype in a genotype context consistent with recessive disease (PMID: 9272157; PMID: 17329263; PMID: 28603918; PMID: 38388235). Functional evidence supports a deleterious effect on the gene or gene product (PMID: 9272157; PMID: 17329263; PMID: 28603918; PMID: 38388235). This variant has been recurrently observed in individuals with related phenotype (PMID: 9272157; PMID: 17329263; PMID: 28603918; PMID: 38388235). Segregation evidence has been reported in affected families. Multiple computational predictions support a deleterious effect on the gene or gene product. The variant is present at low frequency in population datasets. Based on the available data, this variant is classified as pathogenic.

Blueprint Genetics
Classification: Likely pathogenic for CFTR-related disorders. Last evaluated: 2024-10-30. Review status: criteria provided, single submitter. Criteria: ACMG Guidelines, 2015. Collection method: clinical testing. Allele origin: germline. Affected: yes. Observed: 5 variant alleles.

Ambry Genetics
Classification: Uncertain significance for Cystic fibrosis. Last evaluated: 2024-06-10. Review status: criteria provided, single submitter. Criteria: Ambry Variant Classification Scheme 2023. Collection method: clinical testing. Allele origin: germline.
Comment: The p.V938G variant (also known as c.2813T>G), located in coding exon 17 of the CFTR gene, results from a T to G substitution at nucleotide position 2813. The valine at codon 938 is replaced by glycine, an amino acid with dissimilar properties. This variant was identified in two individuals; The other individual was heterozygous for this variant as well as a frameshift alteration and presented with congenital bilateral absence of the vas deferens (CBAVD) and a borderline sweat chloride level; the phase of these alterations was not provided (D&ouml;rk T et al. Hum. Genet. 1997 Sep; 100(3-4):365-77). In another study, this variant was observed in one individual with CBAVD and a gross deletion (Ratbi I et al. Hum. Reprod. 2007 May;22(5):1285-91). This amino acid position is highly conserved in available vertebrate species. In addition, this alteration is predicted to be deleterious by in silico analysis. Based on the available evidence, the clinical significance of this variant remains unclear.

Department of Pathology and Laboratory Medicine, Sinai Health System
Classification: Likely pathogenic for cystic fibrosis. Last evaluated: 2021-09-29. Review status: criteria provided, single submitter. Criteria: ACMG Guidelines, 2015. Collection method: research. Allele origin: germline.

CFTR-France
Classification: Pathogenic for CFTR-related disorders. Last evaluated: 2021-01-18. Review status: criteria provided, single submitter. Criteria: Claustres M et al. (Hum Mutat 2017). Collection method: curation. Allele origin: germline. Affected: yes.

Eurofins Ntd Llc (ga)
Classification: Uncertain significance. Last evaluated: 2017-10-19. Review status: criteria provided, single submitter. Criteria: EGL Classification Definitions 2015. Collection method: clinical testing. Allele origin: germline. Observed: 1 variant allele, 1 heterozygote.

Quest Diagnostics Nichols Institute San Juan Capistrano
Classification: Uncertain significance. Last evaluated: 2017-03-16. Review status: criteria provided, single submitter. Criteria: Quest Diagnostics criteria. Collection method: clinical testing. Allele origin: germline.

PreventionGenetics, part of Exact Sciences
Classification: Pathogenic for CFTR-related condition. Last evaluated: 2024-08-31. Review status: no assertion criteria provided. Collection method: clinical testing. Allele origin: germline. Not counted in ClinVar's aggregate classification.
Comment: The CFTR c.2813T>G variant is predicted to result in the amino acid substitution p.Val938Gly. This variant was reported in multiple individuals with congenital absence of vas deferens (CAVD) (Doerk et al 1997. PubMed ID: 9272157; Ratbi et al. 2007. PubMed ID: 17329263). It has also been reported along with a second pathogenic CFTR variant in a study of male patients with fertility problems (Rudnik-Schöneborn et al. 2021. PubMed ID: 33374015), an individual with idiopathic chronic pancreatitis (Sofia et al. 2016. PubMed ID: 27264265), an individual with abnormal newborn screening results for cystic fibrosis (Bozdogan et al. 2021. PubMed ID: 33572515), and along with the p.Phe508del variant in an individual with pancreatic sufficient cystic fibrosis (De Wachter et al 2017. PubMed ID: 28830496). Alternate substitutions of the same amino acid (p.Val938Leu) have been reported in individuals with CAVD (Luo et al. 2020. PubMed ID: 32777524; Table S1, Fang et al. 2022. PubMed ID: 36437957). An experimental study suggests the p.Vla938Gly substitution impacts protein function (Table S1, Bihler et al. 2024. PubMed ID: 38388235). This variant is reported in 0.0035% of alleles in individuals of European (Non-Finnish) descent in gnomAD. Taken together, this variant is interpreted as pathogenic.

Literature cited by the submitters: PubMed 9272157 (cited by 6 submitters); PubMed 17329263 (cited by 5 submitters); PubMed 20059485 (cited by Women's Health and Genetics/Laboratory Corporation of America, LabCorp and Quest Diagnostics Nichols Institute San Juan Capistrano); PubMed 10755189 (cited by Women's Health and Genetics/Laboratory Corporation of America, LabCorp); PubMed 17175965 (cited by Women's Health and Genetics/Laboratory Corporation of America, LabCorp); PubMed 17507277 (cited by Women's Health and Genetics/Laboratory Corporation of America, LabCorp); PubMed 18685558 (cited by Women's Health and Genetics/Laboratory Corporation of America, LabCorp); PubMed 26003066 (cited by Women's Health and Genetics/Laboratory Corporation of America, LabCorp); PubMed 27264265 (cited by Women's Health and Genetics/Laboratory Corporation of America, LabCorp); PubMed 28830496 (cited by Women's Health and Genetics/Laboratory Corporation of America, LabCorp and Ambry Genetics); PubMed 26277102 (cited by Women's Health and Genetics/Laboratory Corporation of America, LabCorp and Quest Diagnostics Nichols Institute San Juan Capistrano); PubMed 31674704 (cited by Women's Health and Genetics/Laboratory Corporation of America, LabCorp); PubMed 33572515 (cited by Women's Health and Genetics/Laboratory Corporation of America, LabCorp); PubMed 33374015 (cited by Women's Health and Genetics/Laboratory Corporation of America, LabCorp); PubMed 34196078 (cited by Women's Health and Genetics/Laboratory Corporation of America, LabCorp); PubMed 38388235 (cited by Women's Health and Genetics/Laboratory Corporation of America, LabCorp and Dasa); PubMed 32777524 (cited by 3billion and Labcorp Genetics (formerly Invitae), Labcorp); PubMed 28603918 (cited by Labcorp Genetics (formerly Invitae), Labcorp and Dasa); PubMed 36437957 (cited by Labcorp Genetics (formerly Invitae), Labcorp).

NM_000492.4(CFTR):c.2813T>G (p.Val938Gly)

Gene: CFTR (CF transmembrane conductance regulator; plus strand). Cytogenetic location: 7q31.2.
Variant type: single nucleotide variant.
Coding change: c.2813T>G on transcript NM_000492.4 (MANE Select); coding-DNA position 2813, T replaced by G.
Protein change: p.Val938Gly; replaces valine 938 with glycine.
Molecular consequence: missense variant.
Genome position (GRCh38, 1-based): chr7:117,603,687, T>G. VCF-style: chr7-117603687-T-G. GRCh37 (hg19) VCF-style: chr7-117243741-T-G.
Other names: short protein forms V938G.
Identifiers: ClinVar variation 35850 (VCV000035850.31), dbSNP rs193922511, ClinGen allele CA260225.